The following is an entry in ClinVar:

NM_001122659.3(EDNRB):c.1075G>C (p.Glu359Gln)

Genes: EDNRB (endothelin receptor type B; minus strand), EDNRB-AS1 (EDNRB antisense RNA 1; plus strand). Cytogenetic location: 13q22.3.
Variant type: single nucleotide variant.
Coding change: c.1075G>C on transcript NM_001122659.3 (MANE Select); coding-DNA position 1075, G replaced by C.
Protein change: p.Glu359Gln; replaces glutamic acid 359 with glutamine.
Molecular consequence: missense variant.
Genome position (GRCh38, 1-based): chr13:77,900,531, C>G on the plus strand (G>C on the coding strand, the complement: EDNRB is on the minus strand). VCF-style: chr13-77900531-C-G. GRCh37 (hg19) VCF-style: chr13-78474666-C-G.
Other names: c.1075G>C, p.Glu359Gln (NM_000115.5, NM_003991.4); c.1345G>C, p.Glu449Gln (NM_001201397.2); short protein forms E359Q, E449Q.
Identifiers: ClinVar variation 2707258 (VCV002707258.3), dbSNP rs2501530340, ClinGen allele CA388451420.

ClinVar aggregate classification (germline): Uncertain significance (1 of 4 stars; one submission).

Submission:

Labcorp Genetics (formerly Invitae), Labcorp
Classification: Uncertain significance. Last evaluated: 2024-01-03. Review status: criteria provided, single submitter. Criteria: Invitae Variant Classification Sherloc (09022015). Collection method: clinical testing. Allele origin: germline.
Comment: This sequence change replaces glutamic acid, which is acidic and polar, with glutamine, which is neutral and polar, at codon 359 of the EDNRB protein (p.Glu359Gln). This variant is not present in population databases (gnomAD no frequency). This variant has not been reported in the literature in individuals affected with EDNRB-related conditions. An algorithm developed to predict the effect of missense changes on protein structure and function (PolyPhen-2) suggests that this variant is likely to be tolerated. In summary, the available evidence is currently insufficient to determine the role of this variant in disease. Therefore, it has been classified as a Variant of Uncertain Significance.